The following is an entry in ClinVar:

ClinVar aggregate classification (germline): Uncertain significance (1 of 4 stars; one submission).

gnomAD v4.1: 6 of 1,614,020 alleles (0.00037%); highest among the groups gnomAD compares: Non-Finnish European, 0.00051%; no homozygotes.

Submission:

Labcorp Genetics (formerly Invitae), Labcorp
Classification: Uncertain significance. Last evaluated: 2023-02-22. Review status: criteria provided, single submitter. Criteria: Invitae Variant Classification Sherloc (09022015). Collection method: clinical testing. Allele origin: germline.
Comment: In summary, the available evidence is currently insufficient to determine the role of this variant in disease. Therefore, it has been classified as a Variant of Uncertain Significance. Advanced modeling of protein sequence and biophysical properties (such as structural, functional, and spatial information, amino acid conservation, physicochemical variation, residue mobility, and thermodynamic stability) performed at Invitae indicates that this missense variant is not expected to disrupt SRCAP protein function. This variant has not been reported in the literature in individuals affected with SRCAP-related conditions. This variant is not present in population databases (gnomAD no frequency). This sequence change replaces glutamine, which is neutral and polar, with arginine, which is basic and polar, at codon 1819 of the SRCAP protein (p.Gln1819Arg).

NM_006662.3(SRCAP):c.5456A>G (p.Gln1819Arg)

Gene: SRCAP (Snf2 related CREBBP activator protein; plus strand). Cytogenetic location: 16p11.2.
Variant type: single nucleotide variant.
Coding change: c.5456A>G on transcript NM_006662.3 (MANE Select); coding-DNA position 5456, A replaced by G.
Protein change: p.Gln1819Arg; replaces glutamine 1819 with arginine.
Molecular consequence: missense variant.
Genome position (GRCh38, 1-based): chr16:30,724,880, A>G. VCF-style: chr16-30724880-A-G. GRCh37 (hg19) VCF-style: chr16-30736201-A-G.
Other names: short protein forms Q1819R.
Identifiers: ClinVar variation 1985695 (VCV001985695.4), dbSNP rs751864490, ClinGen allele CA395618504.